The following is an entry in ClinVar:

ClinVar aggregate classification (germline): Uncertain significance (1 of 4 stars; one submission).

Allele frequency attached by ClinVar (database versions not stated): gnomAD 0.00001; TOPMed 0.00002.
gnomAD v4.1: 7 of 1,240,586 alleles (0.00056%); highest among the groups gnomAD compares: Admixed American, 0.0063%; no homozygotes.

Submission:

Labcorp Genetics (formerly Invitae), Labcorp
Classification: Uncertain significance. Last evaluated: 2024-10-17. Review status: criteria provided, single submitter. Criteria: Invitae Variant Classification Sherloc (09022015). Collection method: clinical testing. Allele origin: germline.
Comment: This sequence change replaces serine, which is neutral and polar, with arginine, which is basic and polar, at codon 5 of the DIP2C protein (p.Ser5Arg). The frequency data for this variant in the population databases is considered unreliable, as metrics indicate poor data quality at this position in the gnomAD database. This variant has not been reported in the literature in individuals affected with DIP2C-related conditions. An algorithm developed to predict the effect of missense changes on protein structure and function (PolyPhen-2) suggests that this variant is likely to be tolerated. In summary, the available evidence is currently insufficient to determine the role of this variant in disease. Therefore, it has been classified as a Variant of Uncertain Significance.

NM_014974.3(DIP2C):c.13A>C (p.Ser5Arg)

Gene: DIP2C (DIP2 acetate--CoA ligase C (putative); minus strand). Cytogenetic location: 10p15.3.
Variant type: single nucleotide variant.
Coding change: c.13A>C on transcript NM_014974.3 (MANE Select); coding-DNA position 13, A replaced by C.
Protein change: p.Ser5Arg; replaces serine 5 with arginine.
Molecular consequence: missense variant.
Genome position (GRCh38, 1-based): chr10:689,566, T>G on the plus strand (A>C on the coding strand, the complement: DIP2C is on the minus strand). VCF-style: chr10-689566-T-G. GRCh37 (hg19) VCF-style: chr10-735506-T-G.
Other names: short protein forms S5R.
Identifiers: ClinVar variation 2956867 (VCV002956867.3), dbSNP rs1188116910, ClinGen allele CA375851919.